The following is an entry in ClinVar:

NM_033026.6(PCLO):c.1775G>C (p.Cys592Ser)

Gene: PCLO (piccolo presynaptic cytomatrix protein; minus strand). Cytogenetic location: 7q21.11.
Variant type: single nucleotide variant.
Coding change: c.1775G>C on transcript NM_033026.6 (MANE Select); coding-DNA position 1775, G replaced by C.
Protein change: p.Cys592Ser; replaces cysteine 592 with serine.
Molecular consequence: missense variant.
Genome position (GRCh38, 1-based): chr7:83,154,866, C>G on the plus strand (G>C on the coding strand, the complement: PCLO is on the minus strand). VCF-style: chr7-83154866-C-G. GRCh37 (hg19) VCF-style: chr7-82784182-C-G.
Other names: c.1775G>C, p.Cys592Ser (NM_014510.3); short protein forms C592S.
Identifiers: ClinVar variation 1525309 (VCV001525309.7), dbSNP rs1295731532, ClinGen allele CA367912646.

ClinVar aggregate classification (germline): Uncertain significance (1 of 4 stars; one submission).

Allele frequency attached by ClinVar (database versions not stated): gnomAD exomes below 0.00001; gnomAD 0.00001.
gnomAD v4.1: 2 of 1,613,850 alleles (0.00012%); highest among the groups gnomAD compares: African/African-American, 0.0027%; no homozygotes.

Submission:

Labcorp Genetics (formerly Invitae), Labcorp
Classification: Uncertain significance. Last evaluated: 2022-01-14. Review status: criteria provided, single submitter. Criteria: Invitae Variant Classification Sherloc (09022015). Collection method: clinical testing. Allele origin: germline.
Comment: This sequence change replaces cysteine, which is neutral and slightly polar, with serine, which is neutral and polar, at codon 592 of the PCLO protein (p.Cys592Ser). This variant is present in population databases (no rsID available, gnomAD 0.007%). This variant has not been reported in the literature in individuals affected with PCLO-related conditions. Algorithms developed to predict the effect of missense changes on protein structure and function are either unavailable or do not agree on the potential impact of this missense change (SIFT: "Deleterious"; PolyPhen-2: "Not Available"; Align-GVGD: "Class C0"). In summary, the available evidence is currently insufficient to determine the role of this variant in disease. Therefore, it has been classified as a Variant of Uncertain Significance.